The following is an entry in ClinVar:

ClinVar aggregate classification (germline): Uncertain significance. Review status: criteria provided, multiple submitters, no conflicts (2 of 4 stars). 3 submissions from 3 submitters: Uncertain significance (2). 1 of the submissions does not count toward it. Last evaluated 2024-09-26.

Conditions:
TUB-related disorder. Also called: TUB-related condition.

Allele frequency attached by ClinVar (database versions not stated): ExAC 0.00001; gnomAD 0.00003; gnomAD exomes 0.00003; TOPMed 0.00003.
gnomAD v4.1: 48 of 1,613,708 alleles (0.003%); highest among the groups gnomAD compares: African/African-American, 0.0053%; no homozygotes.

Submissions (3):

Blueprint Genetics
Classification: Uncertain significance. Last evaluated: 2024-09-26. Review status: criteria provided, single submitter. Criteria: ACMG Guidelines, 2015. Collection method: clinical testing. Allele origin: germline.

Ambry Genetics
Classification: Uncertain significance. Last evaluated: 2022-03-03. Review status: criteria provided, single submitter. Criteria: Ambry Variant Classification Scheme 2023. Collection method: clinical testing. Allele origin: germline.

PreventionGenetics, part of Exact Sciences
Classification: Uncertain significance for TUB-related condition. Last evaluated: 2024-07-22. Review status: no assertion criteria provided. Collection method: clinical testing. Allele origin: germline. Not counted in ClinVar's aggregate classification.
Comment: The TUB c.1370G>A variant is predicted to result in the amino acid substitution p.Arg457His. To our knowledge, this variant has not been reported in the literature. This variant is reported in 0.0046% of alleles in individuals of European (Non-Finnish) descent in gnomAD. At this time, the clinical significance of this variant is uncertain due to the absence of conclusive functional and genetic evidence.

NM_177972.3(TUB):c.1205G>A (p.Arg402His)

Genes: RIC3 (RIC3 acetylcholine receptor chaperone; minus strand), TUB (TUB bipartite transcription factor; plus strand). Cytogenetic location: 11p15.4.
Variant type: single nucleotide variant.
Coding change: c.1205G>A on transcript NM_177972.3 (MANE Select); coding-DNA position 1205, G replaced by A.
Protein change: p.Arg402His; replaces arginine 402 with histidine.
Molecular consequence: missense variant.
Genome position (GRCh38, 1-based): chr11:8,100,591, G>A. VCF-style: chr11-8100591-G-A. GRCh37 (hg19) VCF-style: chr11-8122138-G-A.
Other names: c.1370G>A, p.Arg457His (NM_003320.5); short protein forms R457H, R402H.
Identifiers: ClinVar variation 2277980 (VCV002277980.4), dbSNP rs754190421, ClinGen allele CA5871396.